The following is an entry in ClinVar:

ClinVar aggregate classification (germline): Uncertain significance. Review status: criteria provided, multiple submitters, no conflicts (2 of 4 stars). 2 submissions from 2 submitters: Uncertain significance (2). Last evaluated 2025-07-30.

Conditions:
Fanconi anemia complementation group P. Also called: SLX4-Related Fanconi Anemia. Identifiers: Orphanet 84, MedGen C3469542, MONDO:0013499, OMIM 613951.
Fanconi anemia (FA). Also called: Fanconi's anemia. Identifiers: Orphanet 84, MedGen C0015625, MeSH D005199, MONDO:0019391.

Allele frequency attached by ClinVar (database versions not stated): ExAC 0.00001; gnomAD 0.00001; gnomAD exomes 0.00001; TOPMed 0.00002.

Submissions (2):

Labcorp Genetics (formerly Invitae), Labcorp
Classification: Uncertain significance for Fanconi anemia. Last evaluated: 2025-07-30. Review status: criteria provided, single submitter. Criteria: Invitae Variant Classification Sherloc (09022015). Collection method: clinical testing. Allele origin: germline.
Comment: This sequence change replaces isoleucine, which is neutral and non-polar, with serine, which is neutral and polar, at codon 718 of the SLX4 protein (p.Ile718Ser). This variant is present in population databases (rs770015489, gnomAD 0.002%). This variant has not been reported in the literature in individuals affected with SLX4-related conditions. ClinVar contains an entry for this variant (Variation ID: 188271). An algorithm developed to predict the effect of missense changes on protein structure and function (PolyPhen-2) suggests that this variant is likely to be tolerated. In summary, the available evidence is currently insufficient to determine the role of this variant in disease. Therefore, it has been classified as a Variant of Uncertain Significance.

Fulgent Genetics
Classification: Uncertain significance for Fanconi anemia complementation group P. Last evaluated: 2024-05-18. Review status: criteria provided, single submitter. Criteria: ACMG Guidelines, 2015. Collection method: clinical testing. Allele origin: germline.

NM_032444.4(SLX4):c.2153T>G (p.Ile718Ser)

Gene: SLX4 (SLX4 structure-specific endonuclease subunit; minus strand). Cytogenetic location: 16p13.3.
Variant type: single nucleotide variant.
Coding change: c.2153T>G on transcript NM_032444.4 (MANE Select); coding-DNA position 2153, T replaced by G.
Protein change: p.Ile718Ser; replaces isoleucine 718 with serine.
Molecular consequence: missense variant.
Genome position (GRCh38, 1-based): chr16:3,594,460, A>C on the plus strand (T>G on the coding strand, the complement: SLX4 is on the minus strand). VCF-style: chr16-3594460-A-C. GRCh37 (hg19) VCF-style: chr16-3644461-A-C.
Other names: c.2153T>G (LRG_503t1); short protein forms I718S.
Identifiers: ClinVar variation 188271 (VCV000188271.9), dbSNP rs770015489, ClinGen allele CA334486.